The following is an entry in ClinVar:

ClinVar aggregate classification (germline): Uncertain significance. Review status: criteria provided, single submitter (1 of 4 stars). 2 submissions from 2 submitters: Uncertain significance (1). 1 of the submissions does not count toward it. Last evaluated 2025-12-11.

Conditions:
CREBBP-related disorder. Also called: CREBBP-related condition; CREBBP-related disorders.
Rubinstein-Taybi syndrome (RSTS). Identifiers: Orphanet 783, MedGen C0035934, MONDO:0019188.

Submissions (2):

Labcorp Genetics (formerly Invitae), Labcorp
Classification: Uncertain significance for Rubinstein-Taybi syndrome. Last evaluated: 2025-12-11. Review status: criteria provided, single submitter. Criteria: Invitae Variant Classification Sherloc (09022015). Collection method: clinical testing. Allele origin: germline.
Comment: This variant, c.6606_6608dup, results in the insertion of 1 amino acid(s) of the CREBBP protein (p.Gln2216dup), but otherwise preserves the integrity of the reading frame. The frequency data for this variant in the population databases is considered unreliable, as metrics indicate poor data quality at this position in the gnomAD database. This variant has not been reported in the literature in individuals affected with CREBBP-related conditions. Experimental studies and prediction algorithms are not available or were not evaluated, and the functional significance of this variant is currently unknown. In summary, the available evidence is currently insufficient to determine the role of this variant in disease. Therefore, it has been classified as a Variant of Uncertain Significance.

PreventionGenetics, part of Exact Sciences
Classification: Likely benign for CREBBP-related condition. Last evaluated: 2022-03-30. Review status: no assertion criteria provided. Collection method: clinical testing. Allele origin: germline. Not counted in ClinVar's aggregate classification.
Comment: This variant is classified as likely benign based on ACMG/AMP sequence variant interpretation guidelines (Richards et al. 2015 PMID: 25741868, with internal and published modifications).

NM_004380.3(CREBBP):c.6594GCA[6] (p.Gln2216_Gly2217insGln)

Gene: CREBBP (CREB binding lysine acetyltransferase; minus strand). Cytogenetic location: 16p13.3.
Variant type: Microsatellite.
Coding change: c.6594GCA[6] on transcript NM_004380.3 (MANE Select); six copies in a row of the 3-base unit GCA starting at c.6594; the reference has five copies in a row; one copy, 3 bases duplicated.
Protein change: p.Gln2216_Gly2217insGln.
Molecular consequence: inframe insertion.
Genome position (GRCh38, 1-based): chr16:3,728,439-3,728,441, TGC duplicated on the plus strand (GCA on the coding strand, the reverse complement: CREBBP is on the minus strand); duplicating any 3 consecutive bases within chr16:3,728,439-3,728,453 gives the same sequence; the position shown is the placement nearest the transcript's 3' end. VCF-style (leftmost placement, unchanged base first): chr16-3728438-T-TTGC. GRCh37 (hg19) VCF-style: chr16-3778439-T-TTGC.
Other names: c.6606_6608dupGCA (NM_004380.2); c.6480GCA[6], p.Gln2178_Gly2179insGln (NM_001079846.1).
Identifiers: ClinVar variation 2080047 (VCV002080047.6), dbSNP rs746121736, ClinGen allele CA7869065.